The following is an entry in ClinVar:

NM_006306.4(SMC1A):c.2313+3T>G

Gene: SMC1A (structural maintenance of chromosomes 1A; minus strand). Cytogenetic location: Xp11.22.
Variant type: single nucleotide variant.
Coding change: c.2313+3T>G on transcript NM_006306.4 (MANE Select); 3 bases into the intron after coding-DNA position 2313, T replaced by G.
Molecular consequence: intron variant.
Genome position (GRCh38, 1-based): chrX:53,403,774, A>C on the plus strand (T>G on the coding strand, the complement: SMC1A is on the minus strand). VCF-style: chrX-53403774-A-C. GRCh37 (hg19) VCF-style: chrX-53430706-A-C.
Other names: c.2247+3T>G (NM_001281463.1).
Identifiers: ClinVar variation 1380671 (VCV001380671.8), dbSNP rs782384493, ClinGen allele CA2429824774.

ClinVar aggregate classification (germline): Uncertain significance. Review status: criteria provided, multiple submitters, no conflicts (2 of 4 stars). 2 submissions from 2 submitters: Uncertain significance (2). Last evaluated 2025-12-04.

Conditions:
Congenital muscular hypertrophy-cerebral syndrome (CDLS2). Also called: SMC1A-Related Cornelia de Lange Syndrome; Cornelia de Lange syndrome 2. Identifiers: Orphanet 199, MedGen C1802395, MONDO:0010370, OMIM 300590.

Submissions (2):

GeneDx
Classification: Uncertain significance. Last evaluated: 2025-12-04. Review status: criteria provided, single submitter. Criteria: GeneDx Variant Classification Process June 2021. Collection method: clinical testing. Allele origin: germline. Affected: yes.
Comment: Not observed at significant frequency in large population cohorts (gnomAD); In silico analysis suggests that this variant does not alter splicing; Has not been previously published as pathogenic or benign to our knowledge

Labcorp Genetics (formerly Invitae), Labcorp
Classification: Uncertain significance for Congenital muscular hypertrophy-cerebral syndrome. Last evaluated: 2022-03-19. Review status: criteria provided, single submitter. Criteria: Invitae Variant Classification Sherloc (09022015). Collection method: clinical testing. Allele origin: germline.
Comment: This variant has not been reported in the literature in individuals affected with SMC1A-related conditions. This variant is not present in population databases (gnomAD no frequency). This sequence change falls in intron 14 of the SMC1A gene. It does not directly change the encoded amino acid sequence of the SMC1A protein. It affects a nucleotide within the consensus splice site. Variants that disrupt the consensus splice site are a relatively common cause of aberrant splicing (PMID: 17576681, 9536098). Algorithms developed to predict the effect of sequence changes on RNA splicing suggest that this variant is not likely to affect RNA splicing. In summary, the available evidence is currently insufficient to determine the role of this variant in disease. Therefore, it has been classified as a Variant of Uncertain Significance.

Literature cited by the submitters: PubMed 17576681 (cited by Labcorp Genetics (formerly Invitae), Labcorp); PubMed 9536098 (cited by Labcorp Genetics (formerly Invitae), Labcorp).